The following is an entry in ClinVar:

ClinVar aggregate classification (germline): Likely benign (0 of 4 stars; one submission).

Conditions:
LAS1L-related disorder. Also called: LAS1L-related condition.

Submission:

PreventionGenetics, part of Exact Sciences
Classification: Likely benign for LAS1L-related condition. Last evaluated: 2021-01-11. Review status: no assertion criteria provided. Collection method: clinical testing. Allele origin: germline.
Comment: This variant is classified as likely benign based on ACMG/AMP sequence variant interpretation guidelines (Richards et al. 2015 PMID: 25741868, with internal and published modifications).

NM_031206.7(LAS1L):c.-3A>C

Gene: LAS1L (LAS1 like ribosome biogenesis factor; minus strand). Cytogenetic location: Xq12.
Variant type: single nucleotide variant.
Coding change: c.-3A>C on transcript NM_031206.7 (MANE Select); 3 bases upstream of the start codon, A replaced by C.
Molecular consequence: 5 prime UTR variant. On other transcripts: non-coding transcript variant (1).
Genome position (GRCh38, 1-based): chrX:65,534,718, T>G on the plus strand (A>C on the coding strand, the complement: LAS1L is on the minus strand). VCF-style: chrX-65534718-T-G. GRCh37 (hg19) VCF-style: chrX-64754598-T-G.
Other names: c.-3A>C (NM_001170649.2, NM_001170650.2, NM_001375328.1 and 9 more transcripts); c.-799A>C (NM_001375332.1).
Identifiers: ClinVar variation 3031405 (VCV003031405.2), dbSNP rs2522725550, ClinGen allele CA2740092164.